The following is an entry in ClinVar:

ClinVar aggregate classification (germline): Uncertain significance (1 of 4 stars; one submission).

Conditions:
Landau-Kleffner syndrome (FESD). Also called: APHASIA, ACQUIRED, WITH EPILEPSY; EPILEPSY, FOCAL, WITH SPEECH DISORDER AND WITH OR WITHOUT MENTAL RETARDATION. Identifiers: Orphanet 1945, Orphanet 725, Orphanet 98818, MedGen C0282512, MONDO:0009509, OMIM 245570.

Submission:

Labcorp Genetics (formerly Invitae), Labcorp
Classification: Uncertain significance for Landau-Kleffner syndrome. Last evaluated: 2020-09-09. Review status: criteria provided, single submitter. Criteria: Invitae Variant Classification Sherloc (09022015). Collection method: clinical testing. Allele origin: germline.
Comment: This sequence change replaces leucine with valine at codon 1106 of the GRIN2A protein (p.Leu1106Val). The leucine residue is moderately conserved and there is a small physicochemical difference between leucine and valine. In summary, the available evidence is currently insufficient to determine the role of this variant in disease. Therefore, it has been classified as a Variant of Uncertain Significance. Advanced modeling of protein sequence and biophysical properties (such as structural, functional, and spatial information, amino acid conservation, physicochemical variation, residue mobility, and thermodynamic stability) performed at Invitae indicates that this missense variant is not expected to disrupt GRIN2A protein function. This variant has not been reported in the literature in individuals with GRIN2A-related conditions. This variant is not present in population databases (ExAC no frequency).

NM_001134407.3(GRIN2A):c.3316C>G (p.Leu1106Val)

Gene: GRIN2A (glutamate ionotropic receptor NMDA type subunit 2A; minus strand). Cytogenetic location: 16p13.2.
Variant type: single nucleotide variant.
Coding change: c.3316C>G on transcript NM_001134407.3 (MANE Select); coding-DNA position 3316, C replaced by G.
Protein change: p.Leu1106Val; replaces leucine 1106 with valine.
Molecular consequence: missense variant.
Genome position (GRCh38, 1-based): chr16:9,764,228, G>C on the plus strand (C>G on the coding strand, the complement: GRIN2A is on the minus strand). VCF-style: chr16-9764228-G-C. GRCh37 (hg19) VCF-style: chr16-9858085-G-C.
Other names: c.3316C>G, p.Leu1106Val (NM_000833.5, NM_001134408.2); short protein forms L1106V.
Identifiers: ClinVar variation 1058070 (VCV001058070.9), dbSNP rs2141133580, ClinGen allele CA394708132.